The following is an entry in ClinVar:

NM_181861.2(APAF1):c.1805del (p.Asn602fs)

Gene: APAF1 (apoptotic peptidase activating factor 1; plus strand). Cytogenetic location: 12q23.1.
Variant type: Deletion.
Coding change: c.1805del on transcript NM_181861.2 (MANE Select); coding-DNA position 1805, one base deleted (A; older notation c.1805delA).
Protein change: p.Asn602fs; shifts the reading frame from asparagine 602.
Molecular consequence: frameshift variant. On other transcripts: intron variant (1).
Genome position (GRCh38, 1-based): chr12:98,677,436, A deleted; the last of 8 consecutive A bases (chr12:98,677,429-98,677,436); deleting any one gives the same sequence. VCF-style (leftmost placement, unchanged base first): chr12-98677428-CA-C. GRCh37 (hg19) VCF-style: chr12-99071206-CA-C.
Other names: c.1772del, p.Asn591fs (NM_001160.3, NM_013229.3); c.1805del, p.Asn602fs (NM_181868.2); c.955+14630del (NM_181869.2); short protein forms N591fs, N602fs.
Identifiers: ClinVar variation 4538189 (VCV004538189.1).

ClinVar aggregate classification (germline): Uncertain significance (1 of 4 stars; one submission).

Submission:

Greenwood Genetic Center Diagnostic Laboratories, Greenwood Genetic Center
Classification: Uncertain significance. Last evaluated: 2025-04-28. Review status: criteria provided, single submitter. Criteria: ACMG Guidelines, 2015. Collection method: clinical testing. Allele origin: germline. Affected: yes.
Comment: Gene of Uncertain Significance